The following is an entry in ClinVar:

ClinVar aggregate classification (germline): Pathogenic (1 of 4 stars; one submission).

Submission:

Labcorp Genetics (formerly Invitae), Labcorp
Classification: Pathogenic. Last evaluated: 2020-12-04. Review status: criteria provided, single submitter. Criteria: Invitae Variant Classification Sherloc (09022015). Collection method: clinical testing. Allele origin: germline.
Comment: This sequence change creates a premature translational stop signal (p.Gln485*) in the ABCC8 gene. It is expected to result in an absent or disrupted protein product. Loss-of-function variants in ABCC8 are known to be pathogenic (PMID: 20685672, 23345197). This variant is not present in population databases (ExAC no frequency). This variant has not been reported in the literature in individuals with ABCC8-related conditions. For these reasons, this variant has been classified as Pathogenic.

Literature cited by the submitters: PubMed 20685672; PubMed 23345197.

NM_000352.6(ABCC8):c.1453C>T (p.Gln485Ter)

Gene: ABCC8 (ATP binding cassette subfamily C member 8; minus strand). Cytogenetic location: 11p15.1.
Variant type: single nucleotide variant.
Coding change: c.1453C>T on transcript NM_000352.6 (MANE Select); coding-DNA position 1453, C replaced by T.
Protein change: p.Gln485Ter; replaces glutamine 485 with a stop codon.
Molecular consequence: nonsense. On other transcripts: non-coding transcript variant (1).
Genome position (GRCh38, 1-based): chr11:17,443,192, G>A on the plus strand (C>T on the coding strand, the complement: ABCC8 is on the minus strand). VCF-style: chr11-17443192-G-A. GRCh37 (hg19) VCF-style: chr11-17464739-G-A.
Other names: c.1453C>T, p.Gln485Ter (NM_001287174.3, NM_001351295.2); c.1450C>T, p.Gln484Ter (NM_001351296.2, NM_001351297.2); short protein forms Q485*, Q484*.
Identifiers: ClinVar variation 1452392 (VCV001452392.6), dbSNP rs1956391008, ClinGen allele CA379766917.